The following is an entry in ClinVar:

NM_002609.4(PDGFRB):c.1699A>G (p.Lys567Glu)

Gene: PDGFRB (platelet derived growth factor receptor beta; minus strand). Cytogenetic location: 5q32.
Variant type: single nucleotide variant.
Coding change: c.1699A>G on transcript NM_002609.4 (MANE Select); coding-DNA position 1699, A replaced by G.
Protein change: p.Lys567Glu; replaces lysine 567 with glutamic acid.
Molecular consequence: missense variant.
Genome position (GRCh38, 1-based): chr5:150,125,553, T>C on the plus strand (A>G on the coding strand, the complement: PDGFRB is on the minus strand). VCF-style: chr5-150125553-T-C. GRCh37 (hg19) VCF-style: chr5-149505116-T-C.
Other names: c.1507A>G, p.Lys503Glu (NM_001355016.2); c.1216A>G, p.Lys406Glu (NM_001355017.2); short protein forms K567E, K503E, K406E.
Identifiers: ClinVar variation 375237 (VCV000375237.3), dbSNP rs1554108389, ClinGen allele CA361766358.

ClinVar aggregate classification (germline): Likely pathogenic. Review status: criteria provided, single submitter (1 of 4 stars). 2 submissions from 2 submitters: Likely pathogenic (1). 1 of the submissions does not count toward it. Last evaluated 2023-11-09.

Conditions:
Myofibromatosis, infantile, 1. Also called: Myofibromatosis, juvenile. Identifiers: Orphanet 2591, MedGen C4551572, MONDO:0009227, OMIM 228550.
PDGFRB-related disorder. Also called: PDGFRB-related condition.

Allele frequency attached by ClinVar (database versions not stated): gnomAD exomes below 0.00001.
gnomAD v4.1: 1 of 1,613,674 alleles (0.000062%); highest among the groups gnomAD compares: Non-Finnish European, 0.000085%; no homozygotes.

Submissions (2):

Blueprint Genetics
Classification: Likely pathogenic for PDGFRB-related disorders. Last evaluated: 2023-11-09. Review status: criteria provided, single submitter. Criteria: ACMG Guidelines, 2015. Collection method: clinical testing. Allele origin: germline. Affected: yes. Observed: 5 variant alleles.

Hunter Genetics General Clinical Genetics Service, Hunter Genetics
Classification: Pathogenic for Myofibromatosis, infantile, 1. Last evaluated: 2016-12-01. Review status: no assertion criteria provided. Collection method: in vitro, research. Allele origin: germline, not applicable. Inheritance: Autosomal dominant inheritance. Affected: yes. Observed: 6 variant alleles, 6 heterozygotes. Clinical features observed: myofibromatosis. Not counted in ClinVar's aggregate classification.
Comment: The disease exhibited autosomal dominant inheritance with variable penetrance in this family. The affected residue is close to other reported mutation, and is highly conserved during evolution (figure 2). 3D modeling by SwissModel using RCSB PDB file 1T45 (crystal structure of c-kit kinase12) shows that the mutated lysine 567 residue might interact with the glutamic acid and the isoleucine residues at positions 563 and 564 respectively. It is possible that this mutation affects the ability of the JM domain (in which it is situated) to correctly autoinhibit the kinase domain13, and might thus act as an activating mutation.